The following is an entry in ClinVar:

NM_001323289.2(CDKL5):c.625C>A (p.Pro209Thr)

Gene: CDKL5 (cyclin dependent kinase like 5; plus strand). Cytogenetic location: Xp22.13.
Variant type: single nucleotide variant.
Coding change: c.625C>A on transcript NM_001323289.2 (MANE Select); coding-DNA position 625, C replaced by A.
Protein change: p.Pro209Thr; replaces proline 209 with threonine.
Molecular consequence: missense variant.
Genome position (GRCh38, 1-based): chrX:18,588,024, C>A. VCF-style: chrX-18588024-C-A. GRCh37 (hg19) VCF-style: chrX-18606144-C-A.
Other names: c.625C>A, p.Pro209Thr (NM_001037343.2, NM_003159.3); short protein forms P209T.
Identifiers: ClinVar variation 2947902 (VCV002947902.3), dbSNP rs2518857400, ClinGen allele CA412353316.

ClinVar aggregate classification (germline): Likely pathogenic (1 of 4 stars; one submission).

Conditions:
Developmental and epileptic encephalopathy, 2 (DEE2). Also called: INFANTILE SPASM SYNDROME, X-LINKED 2; CDKL5 deficiency disorder. Identifiers: Orphanet 1934, Orphanet 3451, Orphanet 505652, MedGen C4750718, MONDO:0010396, OMIM 300672.
Angelman syndrome-like. Identifiers: MedGen CN128785.

Submission:

Labcorp Genetics (formerly Invitae), Labcorp
Classification: Likely pathogenic for Developmental and epileptic encephalopathy, 2; Angelman syndrome-like. Last evaluated: 2025-03-03. Review status: criteria provided, single submitter. Criteria: Invitae Variant Classification Sherloc (09022015). Collection method: clinical testing. Allele origin: germline.
Comment: This sequence change replaces proline, which is neutral and non-polar, with threonine, which is neutral and polar, at codon 209 of the CDKL5 protein (p.Pro209Thr). This variant is not present in population databases (gnomAD no frequency). This variant has not been reported in the literature in individuals affected with CDKL5-related conditions. ClinVar contains an entry for this variant (Variation ID: 2947902). Invitae Evidence Modeling of protein sequence and biophysical properties (such as structural, functional, and spatial information, amino acid conservation, physicochemical variation, residue mobility, and thermodynamic stability) indicates that this missense variant is expected to disrupt CDKL5 protein function with a positive predictive value of 95%. This variant disrupts the p.Pro209 amino acid residue in CDKL5. Other variant(s) that disrupt this residue have been determined to be pathogenic (PMID: 27343026). This suggests that this residue is clinically significant, and that variants that disrupt this residue are likely to be disease-causing. In summary, the currently available evidence indicates that the variant is pathogenic, but additional data are needed to prove that conclusively. Therefore, this variant has been classified as Likely Pathogenic.

Literature cited by the submitters: PubMed 27343026.